The following is an entry in ClinVar:

NM_014714.4(IFT140):c.4338C>T (p.Asp1446=)

Gene: IFT140 (intraflagellar transport 140; minus strand). Cytogenetic location: 16p13.3.
Variant type: single nucleotide variant.
Coding change: c.4338C>T on transcript NM_014714.4 (MANE Select); coding-DNA position 4338, C replaced by T.
Protein change: p.Asp1446=; no amino-acid change (aspartic acid 1446 retained).
Molecular consequence: synonymous variant.
Genome position (GRCh38, 1-based): chr16:1,510,995, G>A on the plus strand (C>T on the coding strand, the complement: IFT140 is on the minus strand). VCF-style: chr16-1510995-G-A. GRCh37 (hg19) VCF-style: chr16-1560996-G-A.
Identifiers: ClinVar variation 750237 (VCV000750237.32), dbSNP rs779634878, ClinGen allele CA7812780.

ClinVar aggregate classification (germline): Likely benign. Review status: criteria provided, multiple submitters, no conflicts (2 of 4 stars). 2 submissions from 2 submitters: Likely benign (2). Last evaluated 2026-01-03.

Conditions:
Saldino-Mainzer syndrome (SRTD9). Also called: CONORENAL SYNDROME; Renal dysplasia, retinal pigmentary dystrophy, cerebellar ataxia and skeletal dysplasia; short-rib thoracic dysplasia 9 with or without polydactyly; SHORT-RIB THORACIC DYSPLASIA 9 WITHOUT POLYDACTYLY. Identifiers: Orphanet 140969, MedGen C1849437, MONDO:0009964, OMIM 266920.

Allele frequency attached by ClinVar (database versions not stated): TOPMed below 0.00001; gnomAD 0.00001; gnomAD exomes 0.00001; ExAC 0.00003.
gnomAD v4.1: 19 of 1,611,412 alleles (0.0012%); highest among the groups gnomAD compares: Middle Eastern, 0.017%; no homozygotes.

Submissions (2):

Labcorp Genetics (formerly Invitae), Labcorp
Classification: Likely benign for Saldino-Mainzer syndrome. Last evaluated: 2026-01-03. Review status: criteria provided, single submitter. Criteria: Invitae Variant Classification Sherloc (09022015). Collection method: clinical testing. Allele origin: germline.

CeGaT Center for Human Genetics Tuebingen
Classification: Likely benign. Last evaluated: 2023-08-01. Review status: criteria provided, single submitter. Criteria: CeGaT Center For Human Genetics Tuebingen Variant Classification Criteria Version 2. Collection method: clinical testing. Allele origin: germline. Affected: yes. Observed: 1 variant allele.
Comment: IFT140: BP4, BP7